The following is an entry in ClinVar:

ClinVar aggregate classification (germline): Uncertain significance (1 of 4 stars; one submission).

Conditions:
Inborn genetic diseases. Identifiers: MedGen C0950123, MeSH D030342.

Submission:

Ambry Genetics
Classification: Uncertain significance for Inborn genetic diseases. Last evaluated: 2026-02-18. Review status: criteria provided, single submitter. Criteria: Ambry Variant Classification Scheme 2023. Collection method: clinical testing. Allele origin: germline.
Comment: The p.A157V variant (also known as c.470C>T), located in coding exon 2 of the GATA2 gene, results from a C to T substitution at nucleotide position 470. The alanine at codon 157 is replaced by valine, an amino acid with similar properties. This amino acid position is conserved. In addition, the in silico prediction for this alteration is inconclusive. Based on the available evidence, the clinical significance of this variant remains unclear.

NM_032638.5(GATA2):c.470C>T (p.Ala157Val)

Gene: GATA2 (GATA binding protein 2; minus strand). Cytogenetic location: 3q21.3.
Variant type: single nucleotide variant.
Coding change: c.470C>T on transcript NM_032638.5 (MANE Select); coding-DNA position 470, C replaced by T.
Protein change: p.Ala157Val; replaces alanine 157 with valine.
Molecular consequence: missense variant.
Genome position (GRCh38, 1-based): chr3:128,486,128, G>A on the plus strand (C>T on the coding strand, the complement: GATA2 is on the minus strand). VCF-style: chr3-128486128-G-A. GRCh37 (hg19) VCF-style: chr3-128204971-G-A.
Other names: c.470C>T, p.Ala157Val (NM_001145661.2, NM_001145662.1); short protein forms A157V.
Identifiers: ClinVar variation 4824118 (VCV004824118.1).
Genomic context (GRCh38, chr3:128,486,128, plus strand): 5'-GGCGTGGGTGGGAAGCCGAAAAGGTGGGAGCCAGAGTGGGCTGCTGTAGGGGTGAGGGAG[G>A]CCACTGAGCTCCCGCTGCCTCCCCCGCTCCCACCCCCAGCCCCTGGGTACACAGAGAGTG-3'
Protein context (NP_116027.2, residues 147-167): GSGGGSGSSV[Ala157Val]SLTPTAAHSG